The following is an entry in ClinVar:

ClinVar aggregate classification (germline): Likely benign. Review status: criteria provided, single submitter (1 of 4 stars). 2 submissions from 2 submitters: Likely benign (1). 1 of the submissions does not count toward it. Last evaluated 2026-01-23.

Conditions:
TOP2B-related disorder. Also called: TOP2B-related condition.

Allele frequency attached by ClinVar (database versions not stated): ExAC 0.00004; gnomAD exomes 0.00004 and 0.00018; gnomAD 0.00009; TOPMed 0.00012; ESP Exome Variant Server 0.00025.
gnomAD v4.1: 273 of 1,613,130 alleles (0.017%); highest among the groups gnomAD compares: Non-Finnish European, 0.022%; no homozygotes.

Submissions (2):

Labcorp Genetics (formerly Invitae), Labcorp
Classification: Likely benign. Last evaluated: 2026-01-23. Review status: criteria provided, single submitter. Criteria: Invitae Variant Classification Sherloc (09022015). Collection method: clinical testing. Allele origin: germline.

PreventionGenetics, part of Exact Sciences
Classification: Likely benign for TOP2B-related condition. Last evaluated: 2023-09-27. Review status: no assertion criteria provided. Collection method: clinical testing. Allele origin: germline. Not counted in ClinVar's aggregate classification.
Comment: This variant is classified as likely benign based on ACMG/AMP sequence variant interpretation guidelines (Richards et al. 2015 PMID: 25741868, with internal and published modifications).

NM_001330700.2(TOP2B):c.927T>G (p.Val309=)

Gene: TOP2B (DNA topoisomerase II beta; minus strand). Cytogenetic location: 3p24.2.
Variant type: single nucleotide variant.
Coding change: c.927T>G on transcript NM_001330700.2 (MANE Select); coding-DNA position 927, T replaced by G.
Protein change: p.Val309=; no amino-acid change (valine 309 retained).
Molecular consequence: synonymous variant.
Genome position (GRCh38, 1-based): chr3:25,633,940, A>C on the plus strand (T>G on the coding strand, the complement: TOP2B is on the minus strand). VCF-style: chr3-25633940-A-C. GRCh37 (hg19) VCF-style: chr3-25675431-A-C.
Other names: c.912T>G, p.Val304= (NM_001068.3); c.927T>G (NM_001330700.1).
Identifiers: ClinVar variation 1630649 (VCV001630649.10), dbSNP rs370757931, ClinGen allele CA2288804.